The following is an entry in ClinVar:

ClinVar aggregate classification (germline): Conflicting classifications of pathogenicity. Review status: criteria provided, conflicting classifications (1 of 4 stars). 5 submissions from 5 submitters: Uncertain significance (1); Benign (1); Likely benign (2). 1 of the submissions does not count toward it. Last evaluated 2026-09-01.

Conditions:
Corneal dystrophy. Identifiers: Orphanet 34533, MedGen C0010036, MONDO:0018102, HP:0001131.
Corneal dystrophy-perceptive deafness syndrome (CDPD). Also called: CORNEAL DYSTROPHY AND SENSORINEURAL DEAFNESS; HARBOYAN SYNDROME. Identifiers: Orphanet 1490, MedGen C1857572, MONDO:0009015, OMIM 217400.

Allele frequency attached by ClinVar (database versions not stated): 1000 Genomes Project 0.00160; 1000 Genomes Project 30x 0.00187; TOPMed 0.00297; ESP Exome Variant Server 0.00300; gnomAD 0.00309 and 0.00316; ExAC 0.00330.

Submissions (5):

CeGaT Center for Human Genetics Tuebingen
Classification: Likely benign. Last evaluated: 2026-09-01. Review status: criteria provided, single submitter. Criteria: CeGaT Center For Human Genetics Tuebingen Variant Classification Criteria Version 2. Collection method: clinical testing. Allele origin: germline. Affected: yes. Observed: 7 variant alleles.
Comment: SLC4A11: BS2

Labcorp Genetics (formerly Invitae), Labcorp
Classification: Benign. Last evaluated: 2026-02-02. Review status: criteria provided, single submitter. Criteria: Invitae Variant Classification Sherloc (09022015). Collection method: clinical testing. Allele origin: germline.

Blueprint Genetics
Classification: Likely benign. Last evaluated: 2024-11-18. Review status: criteria provided, single submitter. Criteria: ACMG Guidelines, 2015. Collection method: clinical testing. Allele origin: germline.

Illumina Laboratory Services, Illumina
Classification: Uncertain significance for Corneal dystrophy. Last evaluated: 2018-01-13. Review status: criteria provided, single submitter. Criteria: ICSL Variant Classification Criteria 13 December 2019. Collection method: clinical testing. Allele origin: germline.

Natera, Inc.
Classification: Benign for Harboyan syndrome. Last evaluated: 2020-09-16. Review status: no assertion criteria provided. Collection method: clinical testing. Allele origin: germline. Not counted in ClinVar's aggregate classification.

NM_001174089.2(SLC4A11):c.1722C>G (p.Thr574=)

Gene: SLC4A11 (solute carrier family 4 member 11; minus strand). Cytogenetic location: 20p13.
Variant type: single nucleotide variant.
Coding change: c.1722C>G on transcript NM_001174089.2 (MANE Select); coding-DNA position 1722, C replaced by G.
Protein change: p.Thr574=; no amino-acid change (threonine 574 retained).
Molecular consequence: synonymous variant. On other transcripts: non-coding transcript variant (1).
Genome position (GRCh38, 1-based): chr20:3,229,544, G>C on the plus strand (C>G on the coding strand, the complement: SLC4A11 is on the minus strand). VCF-style: chr20-3229544-G-C. GRCh37 (hg19) VCF-style: chr20-3210190-G-C.
Other names: c.1851C>G, p.Thr617= (NM_001174090.2); c.1608C>G, p.Thr536= (NM_001363745.2); c.1770C>G, p.Thr590= (NM_032034.4).
Identifiers: ClinVar variation 778876 (VCV000778876.36), dbSNP rs144123179, ClinGen allele CA9741749.
Genomic context (GRCh38, chr20:3,229,544, plus strand): 5'-TGACCCATGCGGCCCCTCCCCTCCCCATGCAGCCCCTCACCTCTTCTTGAATTGGTAGAG[G>C]GTGTAGCCCAGCCAGAGCGTGCCCAGCATGATGAGGAGGCTGAGCACGGCGGTCGCCTGG-3'
Protein context (NP_001167560.1, residues 564-584): IMLGTLWLGY[Thr574=]LYQFKKSPYL